The following is an entry in ClinVar:

NM_002495.4(NDUFS4):c.298G>T (p.Glu100Ter)

Gene: NDUFS4 (NADH:ubiquinone oxidoreductase subunit S4; plus strand). Cytogenetic location: 5q11.2.
Variant type: single nucleotide variant.
Coding change: c.298G>T on transcript NM_002495.4 (MANE Select); coding-DNA position 298, G replaced by T.
Protein change: p.Glu100Ter; replaces glutamic acid 100 with a stop codon.
Molecular consequence: nonsense. On other transcripts: non-coding transcript variant (3).
Genome position (GRCh38, 1-based): chr5:53,646,353, G>T. VCF-style: chr5-53646353-G-T. GRCh37 (hg19) VCF-style: chr5-52942183-G-T.
Other names: c.298G>T, p.Glu100Ter (NM_001318051.2); short protein forms E100*.
Identifiers: ClinVar variation 2851671 (VCV002851671.3), dbSNP rs1490999340, ClinGen allele CA359719798.

ClinVar aggregate classification (germline): Pathogenic (1 of 4 stars; one submission).

Submission:

Labcorp Genetics (formerly Invitae), Labcorp
Classification: Pathogenic. Last evaluated: 2023-04-03. Review status: criteria provided, single submitter. Criteria: Invitae Variant Classification Sherloc (09022015). Collection method: clinical testing. Allele origin: germline.
Comment: This variant is not present in population databases (gnomAD no frequency). For these reasons, this variant has been classified as Pathogenic. This variant has not been reported in the literature in individuals affected with NDUFS4-related conditions. This sequence change creates a premature translational stop signal (p.Glu100*) in the NDUFS4 gene. It is expected to result in an absent or disrupted protein product. Loss-of-function variants in NDUFS4 are known to be pathogenic (PMID: 10944442, 16213125).

Literature cited by the submitters: PubMed 10944442; PubMed 16213125.